The following is an entry in ClinVar:

ClinVar aggregate classification (germline): Uncertain significance (1 of 4 stars; one submission).

Conditions:
Glucose-6-phosphate transport defect (GSD1B). Also called: Glycogen Storage Disease Type Ib; GSD Ib. Identifiers: Orphanet 364, Orphanet 79259, MedGen C0268146, MONDO:0009288, OMIM 232220.

Submission:

Labcorp Genetics (formerly Invitae), Labcorp
Classification: Uncertain significance for Glucose-6-phosphate transport defect. Last evaluated: 2021-12-03. Review status: criteria provided, single submitter. Criteria: Invitae Variant Classification Sherloc (09022015). Collection method: clinical testing. Allele origin: germline.
Comment: In summary, the available evidence is currently insufficient to determine the role of this variant in disease. Therefore, it has been classified as a Variant of Uncertain Significance. Algorithms developed to predict the effect of missense changes on protein structure and function output the following: SIFT: "Not Available"; PolyPhen-2: "Not Available"; Align-GVGD: "Not Available". The alanine amino acid residue is found in multiple mammalian species, which suggests that this missense change does not adversely affect protein function. This variant has not been reported in the literature in individuals affected with SLC37A4-related conditions. This variant is not present in population databases (gnomAD no frequency). This sequence change replaces glycine, which is neutral and non-polar, with alanine, which is neutral and non-polar, at codon 262 of the SLC37A4 protein (p.Gly262Ala).

NM_001164277.2(SLC37A4):c.785G>C (p.Gly262Ala)

Gene: SLC37A4 (solute carrier family 37 member 4; minus strand). Cytogenetic location: 11q23.3.
Variant type: single nucleotide variant.
Coding change: c.785G>C on transcript NM_001164277.2 (MANE Select); coding-DNA position 785, G replaced by C.
Protein change: p.Gly262Ala; replaces glycine 262 with alanine.
Molecular consequence: missense variant.
Genome position (GRCh38, 1-based): chr11:119,026,688, C>G on the plus strand (G>C on the coding strand, the complement: SLC37A4 is on the minus strand). VCF-style: chr11-119026688-C-G. GRCh37 (hg19) VCF-style: chr11-118897398-C-G.
Other names: c.785G>C, p.Gly262Ala (NM_001164278.2, NM_001164280.2, NM_001467.6); c.566G>C, p.Gly189Ala (NM_001164279.2); short protein forms G189A, G262A.
Identifiers: ClinVar variation 1476911 (VCV001476911.6), dbSNP rs782692832, ClinGen allele CA382900663.